The following is an entry in ClinVar:

NM_000052.7(ATP7A):c.1334C>T (p.Ser445Leu)

Gene: ATP7A (ATPase copper transporting alpha; plus strand). Cytogenetic location: Xq21.1.
Variant type: single nucleotide variant.
Coding change: c.1334C>T on transcript NM_000052.7 (MANE Select); coding-DNA position 1334, C replaced by T.
Protein change: p.Ser445Leu; replaces serine 445 with leucine.
Molecular consequence: missense variant.
Genome position (GRCh38, 1-based): chrX:77,989,956, C>T. VCF-style: chrX-77989956-C-T. GRCh37 (hg19) VCF-style: chrX-77245452-C-T.
Other names: c.1334C>T, p.Ser445Leu (NM_001282224.2); c.1334C>T (NM_000052.6); short protein forms S445L.
Identifiers: ClinVar variation 1363082 (VCV001363082.9), dbSNP rs2149083480, ClinGen allele CA413602320.
Genomic context (GRCh38, chrX:77,989,956, plus strand): 5'-TAACCTCTCCAGAAACGTTGAGAGGAGCAATAGAAGACATGGGATTTGATGCTACCTTGT[C>T]AGGTAATTATCATTTTTTCTTTGATTACCCTAATGTTCTTTTACTTCCATTTTGCTGCTT-3'
Protein context (NP_000043.4, residues 435-455): IEDMGFDATL[Ser445Leu]DTNEPLVVIA

ClinVar aggregate classification (germline): Uncertain significance. Review status: criteria provided, single submitter (1 of 4 stars). 2 submissions from 2 submitters: Uncertain significance (1). 1 of the submissions does not count toward it. Last evaluated 2021-01-06.

Conditions:
Menkes kinky-hair syndrome (MNK). Also called: Copper transport disease; Classic Menkes Disease; Menkes Disease. Identifiers: Orphanet 565, MedGen C0022716, MONDO:0010651, OMIM 309400.
Cutis laxa, X-linked (OHS). Also called: EDS IX; Occipital horn syndrome. Identifiers: Orphanet 198, MedGen C0268353, MONDO:0010572, OMIM 304150.
X-linked distal spinal muscular atrophy type 3. Also called: SPINAL MUSCULAR ATROPHY, DISTAL, X-LINKED RECESSIVE; ATP7A-Related Distal Motor Neuropathy; NEURONOPATHY, DISTAL HEREDITARY MOTOR, X-LINKED; NEUROPATHY, DISTAL HEREDITARY MOTOR, X-LINKED. Identifiers: Orphanet 139557, MedGen C1845359, MONDO:0010338, OMIM 300489.

Submissions (2):

Labcorp Genetics (formerly Invitae), Labcorp
Classification: Uncertain significance for X-linked distal spinal muscular atrophy type 3; Cutis laxa, X-linked; Menkes kinky-hair syndrome. Last evaluated: 2021-01-06. Review status: criteria provided, single submitter. Criteria: Invitae Variant Classification Sherloc (09022015). Collection method: clinical testing. Allele origin: germline.
Comment: In summary, the available evidence is currently insufficient to determine the role of this variant in disease. Therefore, it has been classified as a Variant of Uncertain Significance. Algorithms developed to predict the effect of missense changes on protein structure and function are either unavailable or do not agree on the potential impact of this missense change (SIFT: "Deleterious"; PolyPhen-2: "Benign"; Align-GVGD: "Class C0"). This variant has not been reported in the literature in individuals with ATP7A-related conditions. This variant is not present in population databases (ExAC no frequency). This sequence change replaces serine with leucine at codon 445 of the ATP7A protein (p.Ser445Leu). The serine residue is weakly conserved and there is a large physicochemical difference between serine and leucine.

Natera, Inc.
Classification: Uncertain significance for Menkes kinky hair syndrome. Last evaluated: 2025-04-15. Review status: no assertion criteria provided. Collection method: clinical testing. Allele origin: germline. Not counted in ClinVar's aggregate classification.